The following is an entry in ClinVar:

NM_012463.4(ATP6V0A2):c.2055+4A>C

Gene: ATP6V0A2 (ATPase H+ transporting V0 subunit a2; plus strand). Cytogenetic location: 12q24.31.
Variant type: single nucleotide variant.
Coding change: c.2055+4A>C on transcript NM_012463.4 (MANE Select); 4 bases into the intron after coding-DNA position 2055, A replaced by C.
Molecular consequence: intron variant.
Genome position (GRCh38, 1-based): chr12:123,751,233, A>C. VCF-style: chr12-123751233-A-C. GRCh37 (hg19) VCF-style: chr12-124235780-A-C.
Other names: c.2055+4A>C (NM_012463.3).
Identifiers: ClinVar variation 1368900 (VCV001368900.7), dbSNP rs2135917390, ClinGen allele CA2573148071.

ClinVar aggregate classification (germline): Conflicting classifications of pathogenicity. Review status: criteria provided, conflicting classifications (1 of 4 stars). 2 submissions from 2 submitters: Likely pathogenic (1); Uncertain significance (1). Last evaluated 2024-01-25.

Conditions:
Inborn genetic diseases. Identifiers: MedGen C0950123, MeSH D030342.
ALG9 congenital disorder of glycosylation (CDG1L). Also called: ALG9-CDG; CONGENITAL DISORDER OF GLYCOSYLATION, TYPE Il; CDG Il. Identifiers: Orphanet 79328, MedGen C2931006, MONDO:0012117, OMIM 608776.

Submissions (2):

Ambry Genetics
Classification: Likely pathogenic for Inborn genetic diseases. Last evaluated: 2024-01-25. Review status: criteria provided, single submitter. Criteria: Ambry Variant Classification Scheme 2023. Collection method: clinical testing. Allele origin: germline.
Comment: The c.2055+4A>C intronic alteration results from an A to C substitution 4 nucleotides after coding exon 16 of the ATP6V0A2 gene. This variant was not reported in population-based cohorts in the Genome Aggregation Database (gnomAD). This nucleotide position is well conserved in available vertebrate species. RNA studies have demonstrated that this alteration results in abnormal splicing in the set of samples tested (Ambry internal data). In silico splice site analysis predicts that this alteration will weaken the native splice donor site. Based on the available evidence, this alteration is classified as likely pathogenic.

Labcorp Genetics (formerly Invitae), Labcorp
Classification: Uncertain significance for ALG9 congenital disorder of glycosylation. Last evaluated: 2021-07-21. Review status: criteria provided, single submitter. Criteria: Invitae Variant Classification Sherloc (09022015). Collection method: clinical testing. Allele origin: germline.
Comment: In summary, the available evidence is currently insufficient to determine the role of this variant in disease. Therefore, it has been classified as a Variant of Uncertain Significance. Nucleotide substitutions within the consensus splice site are a relatively common cause of aberrant splicing (PMID: 17576681, 9536098). Algorithms developed to predict the effect of sequence changes on RNA splicing suggest that this variant is not likely to affect RNA splicing. This variant has not been reported in the literature in individuals affected with ATP6V0A2-related conditions. This variant is not present in population databases (ExAC no frequency). This sequence change falls in intron 16 of the ATP6V0A2 gene. It does not directly change the encoded amino acid sequence of the ATP6V0A2 protein. It affects a nucleotide within the consensus splice site of the intron.

Literature cited by the submitters: PubMed 17576681 (cited by Labcorp Genetics (formerly Invitae), Labcorp); PubMed 9536098 (cited by Labcorp Genetics (formerly Invitae), Labcorp).